The following is an entry in ClinVar:

NM_001199107.2(TBC1D24):c.1495A>G (p.Met499Val)

Gene: TBC1D24 (TBC1 domain family member 24; plus strand). Cytogenetic location: 16p13.3.
Variant type: single nucleotide variant.
Coding change: c.1495A>G on transcript NM_001199107.2 (MANE Select); coding-DNA position 1495, A replaced by G.
Protein change: p.Met499Val; replaces methionine 499 with valine.
Molecular consequence: missense variant.
Genome position (GRCh38, 1-based): chr16:2,500,460, A>G. VCF-style: chr16-2500460-A-G. GRCh37 (hg19) VCF-style: chr16-2550461-A-G.
Other names: c.1477A>G, p.Met493Val (NM_020705.3); short protein forms M493V, M499V.
Identifiers: ClinVar variation 1376297 (VCV001376297.8), dbSNP rs2065783330, ClinGen allele CA394381244.

ClinVar aggregate classification (germline): Uncertain significance (1 of 4 stars; one submission).

Conditions:
Developmental and epileptic encephalopathy, 1 (DEE1). Also called: X-linked infantile spasms; West's syndrome; Tonic spasms with clustering, arrest of psychomotor development and hypsarrhythmia on EEG; X-Linked Infantile Spasm Syndrome; OHTAHARA SYNDROME, X-LINKED; INFANTILE SPASM SYNDROME, X-LINKED 1. Identifiers: MedGen C3463992, MONDO:0010632, OMIM 308350. Disease mechanism: loss of function.
Autosomal dominant nonsyndromic hearing loss 65. Also called: TBC1D24-Related Autosomal Dominant Nonsyndromic Hearing Loss (DFNA); Deafness, autosomal dominant 65. Identifiers: Orphanet 90635, MedGen C3892048, MONDO:0014470, OMIM 616044.

Submission:

Labcorp Genetics (formerly Invitae), Labcorp
Classification: Uncertain significance for Developmental and epileptic encephalopathy, 1; Autosomal dominant nonsyndromic hearing loss 65. Last evaluated: 2021-02-24. Review status: criteria provided, single submitter. Criteria: Invitae Variant Classification Sherloc (09022015). Collection method: clinical testing. Allele origin: germline.
Comment: This sequence change replaces methionine with valine at codon 499 of the TBC1D24 protein (p.Met499Val). The methionine residue is highly conserved and there is a small physicochemical difference between methionine and valine. This variant is not present in population databases (ExAC no frequency). This variant has not been reported in the literature in individuals with TBC1D24-related conditions. Advanced modeling of protein sequence and biophysical properties (such as structural, functional, and spatial information, amino acid conservation, physicochemical variation, residue mobility, and thermodynamic stability) performed at Invitae indicates that this missense variant is expected to disrupt TBC1D24 protein function. In summary, the available evidence is currently insufficient to determine the role of this variant in disease. Therefore, it has been classified as a Variant of Uncertain Significance.